The following is an entry in ClinVar:

ClinVar aggregate classification (germline): Uncertain significance (1 of 4 stars; one submission).

Allele frequency attached by ClinVar (database versions not stated): gnomAD exomes 0.00001 and 0.00002; ExAC 0.00002.
gnomAD v4.1: 28 of 1,575,930 alleles (0.0018%); highest among the groups gnomAD compares: Non-Finnish European, 0.0024%; no homozygotes.

Submission:

Labcorp Genetics (formerly Invitae), Labcorp
Classification: Uncertain significance. Last evaluated: 2021-12-13. Review status: criteria provided, single submitter. Criteria: Invitae Variant Classification Sherloc (09022015). Collection method: clinical testing. Allele origin: germline.
Comment: In summary, the available evidence is currently insufficient to determine the role of this variant in disease. Therefore, it has been classified as a Variant of Uncertain Significance. Algorithms developed to predict the effect of missense changes on protein structure and function are either unavailable or do not agree on the potential impact of this missense change (SIFT: "Deleterious"; PolyPhen-2: "Benign"; Align-GVGD: "Class C0"). This variant has not been reported in the literature in individuals affected with MCM3AP-related conditions. This variant is present in population databases (rs753526941, gnomAD 0.003%). This sequence change replaces leucine, which is neutral and non-polar, with phenylalanine, which is neutral and non-polar, at codon 1902 of the MCM3AP protein (p.Leu1902Phe).

NM_003906.5(MCM3AP):c.5704C>T (p.Leu1902Phe)

Genes: MCM3AP (minichromosome maintenance complex component 3 associated protein; minus strand), MCM3AP-AS1 (MCM3AP antisense RNA 1; plus strand). Cytogenetic location: 21q22.3.
Variant type: single nucleotide variant.
Coding change: c.5704C>T on transcript NM_003906.5 (MANE Select); coding-DNA position 5704, C replaced by T.
Protein change: p.Leu1902Phe; replaces leucine 1902 with phenylalanine.
Molecular consequence: missense variant.
Genome position (GRCh38, 1-based): chr21:46,236,909, G>A on the plus strand (C>T on the coding strand, the complement: MCM3AP is on the minus strand). VCF-style: chr21-46236909-G-A. GRCh37 (hg19) VCF-style: chr21-47656823-G-A.
Other names: short protein forms L1902F.
Identifiers: ClinVar variation 1350950 (VCV001350950.5), dbSNP rs753526941, ClinGen allele CA10075773.